The following is an entry in ClinVar:

NM_016562.4(TLR7):c.2963T>C (p.Leu988Ser)

Gene: TLR7 (toll like receptor 7; plus strand). Cytogenetic location: Xp22.2.
Variant type: single nucleotide variant.
Coding change: c.2963T>C on transcript NM_016562.4 (MANE Select); coding-DNA position 2963, T replaced by C.
Protein change: p.Leu988Ser; replaces leucine 988 with serine.
Molecular consequence: missense variant.
Genome position (GRCh38, 1-based): chrX:12,888,471, T>C. VCF-style: chrX-12888471-T-C. GRCh37 (hg19) VCF-style: chrX-12906590-T-C.
Other names: short protein forms L988S.
Identifiers: ClinVar variation 2178636 (VCV002178636.4), dbSNP rs765092400, ClinGen allele CA10350116.

ClinVar aggregate classification (germline): Uncertain significance (1 of 4 stars; one submission).

Allele frequency attached by ClinVar (database versions not stated): gnomAD 0.00002; gnomAD exomes 0.00002; TOPMed 0.00002; ExAC 0.00007.
gnomAD v4.1: 27 of 1,209,826 alleles (0.0022%); highest among the groups gnomAD compares: Middle Eastern, 0.023%; no homozygotes.

Submission:

Labcorp Genetics (formerly Invitae), Labcorp
Classification: Uncertain significance. Last evaluated: 2023-12-15. Review status: criteria provided, single submitter. Criteria: Invitae Variant Classification Sherloc (09022015). Collection method: clinical testing. Allele origin: germline.
Comment: This sequence change replaces leucine, which is neutral and non-polar, with serine, which is neutral and polar, at codon 988 of the TLR7 protein (p.Leu988Ser). This variant is present in population databases (rs765092400, gnomAD 0.01%). This missense change has been observed in individual(s) with COVID-19 pneumonia (PMID: 34413140). ClinVar contains an entry for this variant (Variation ID: 2178636). An algorithm developed to predict the effect of missense changes on protein structure and function (PolyPhen-2) suggests that this variant is likely to be disruptive. Experimental studies have shown that this missense change affects TLR7 function (PMID: 34413140). In summary, the available evidence is currently insufficient to determine the role of this variant in disease. Therefore, it has been classified as a Variant of Uncertain Significance.

Literature cited by the submitters: PubMed 34413140.